The following is an entry in ClinVar:

NM_014915.3(ANKRD26):c.17G>T (p.Ser6Ile)

Genes: ANKRD26 (ankyrin repeat domain 26; minus strand), LOC130003554 (ATAC-STARR-seq lymphoblastoid silent region 2243; plus strand). Cytogenetic location: 10p12.1.
Variant type: single nucleotide variant.
Coding change: c.17G>T on transcript NM_014915.3 (MANE Select); coding-DNA position 17, G replaced by T.
Protein change: p.Ser6Ile; replaces serine 6 with isoleucine.
Molecular consequence: missense variant.
Genome position (GRCh38, 1-based): chr10:27,100,310, C>A on the plus strand (G>T on the coding strand, the complement: ANKRD26 is on the minus strand). VCF-style: chr10-27100310-C-A. GRCh37 (hg19) VCF-style: chr10-27389239-C-A.
Other names: c.17G>T, p.Ser6Ile (NM_001256053.2); short protein forms S6I.
Identifiers: ClinVar variation 2397743 (VCV002397743.6), dbSNP rs371806765, ClinGen allele CA5449092.

ClinVar aggregate classification (germline): Uncertain significance. Review status: criteria provided, multiple submitters, no conflicts (2 of 4 stars). 2 submissions from 2 submitters: Uncertain significance (2). Last evaluated 2025-10-07.

Conditions:
Inborn genetic diseases. Identifiers: MedGen C0950123, MeSH D030342.

Allele frequency attached by ClinVar (database versions not stated): TOPMed 0.00006; ESP Exome Variant Server 0.00017.
gnomAD v4.1: 14 of 1,609,050 alleles (0.00087%); highest among the groups gnomAD compares: African/African-American, 0.016%; no homozygotes.

Submissions (2):

Ambry Genetics
Classification: Uncertain significance for Inborn genetic diseases. Last evaluated: 2025-10-07. Review status: criteria provided, single submitter. Criteria: Ambry Variant Classification Scheme 2023. Collection method: clinical testing. Allele origin: germline.

Labcorp Genetics (formerly Invitae), Labcorp
Classification: Uncertain significance. Last evaluated: 2024-02-03. Review status: criteria provided, single submitter. Criteria: Invitae Variant Classification Sherloc (09022015). Collection method: clinical testing. Allele origin: germline.
Comment: This sequence change replaces serine, which is neutral and polar, with isoleucine, which is neutral and non-polar, at codon 6 of the ANKRD26 protein (p.Ser6Ile). This variant is present in population databases (rs371806765, gnomAD 0.03%). This variant has not been reported in the literature in individuals affected with ANKRD26-related conditions. ClinVar contains an entry for this variant (Variation ID: 2397743). An algorithm developed to predict the effect of missense changes on protein structure and function (PolyPhen-2) suggests that this variant is likely to be disruptive. In summary, the available evidence is currently insufficient to determine the role of this variant in disease. Therefore, it has been classified as a Variant of Uncertain Significance.